The following is an entry in ClinVar:

NM_145207.3(AFG2A):c.2052G>C (p.Glu684Asp)

Gene: AFG2A (AFG2 AAA ATPase homolog A; plus strand). Cytogenetic location: 4q28.1.
Variant type: single nucleotide variant.
Coding change: c.2052G>C on transcript NM_145207.3 (MANE Select); coding-DNA position 2052, G replaced by C.
Protein change: p.Glu684Asp; replaces glutamic acid 684 with aspartic acid.
Molecular consequence: missense variant.
Genome position (GRCh38, 1-based): chr4:123,028,368, G>C. VCF-style: chr4-123028368-G-C. GRCh37 (hg19) VCF-style: chr4-123949523-G-C.
Other names: c.2049G>C, p.Glu683Asp (NM_001317799.2, NM_001345856.2); short protein forms E683D, E684D.
Identifiers: ClinVar variation 1040949 (VCV001040949.1), dbSNP rs1473246053, ClinGen allele CA358102892.

ClinVar aggregate classification (germline): Uncertain significance (1 of 4 stars; one submission).

Conditions:
Microcephaly-intellectual disability-sensorineural hearing loss-epilepsy-abnormal muscle tone syndrome (NEDHSB). Also called: NEURODEVELOPMENTAL DISORDER WITH HEARING LOSS, SEIZURES, AND BRAIN ABNORMALITIES. Identifiers: Orphanet 457351, MedGen C4225276, MONDO:0014698, OMIM 616577.

Allele frequency attached by ClinVar (database versions not stated): TOPMed 0.00001.

Submission:

Labcorp Genetics (formerly Invitae), Labcorp
Classification: Uncertain significance for Microcephaly-intellectual disability-sensorineural hearing loss-epilepsy-abnormal muscle tone syndrome. Last evaluated: 2020-06-03. Review status: criteria provided, single submitter. Criteria: Invitae Variant Classification Sherloc (09022015). Collection method: clinical testing. Allele origin: germline.
Comment: This sequence change replaces glutamic acid with aspartic acid at codon 684 of the SPATA5 protein (p.Glu684Asp). The glutamic acid residue is highly conserved and there is a small physicochemical difference between glutamic acid and aspartic acid. This variant is not present in population databases (ExAC no frequency). This variant has not been reported in the literature in individuals with SPATA5-related conditions. Algorithms developed to predict the effect of missense changes on protein structure and function (SIFT, PolyPhen-2, Align-GVGD) all suggest that this variant is likely to be disruptive, but these predictions have not been confirmed by published functional studies and their clinical significance is uncertain. In summary, the available evidence is currently insufficient to determine the role of this variant in disease. Therefore, it has been classified as a Variant of Uncertain Significance.